The following is an entry in ClinVar:

NM_001287.6(CLCN7):c.981+1G>A

Gene: CLCN7 (chloride voltage-gated channel 7; minus strand). Cytogenetic location: 16p13.3.
Variant type: single nucleotide variant.
Coding change: c.981+1G>A on transcript NM_001287.6 (MANE Select); the canonical splice donor site of the intron after coding-DNA position 981, G replaced by A.
Molecular consequence: splice donor variant.
Genome position (GRCh38, 1-based): chr16:1,455,730, C>T on the plus strand (G>A on the coding strand, the complement: CLCN7 is on the minus strand). VCF-style: chr16-1455730-C-T. GRCh37 (hg19) VCF-style: chr16-1505731-C-T.
Other names: c.909+1G>A (NM_001114331.3).
Identifiers: ClinVar variation 4694046 (VCV004694046.1).

ClinVar aggregate classification (germline): Likely pathogenic (1 of 4 stars; one submission).

gnomAD v4.1: 4 of 1,613,530 alleles (0.00025%); highest among the groups gnomAD compares: South Asian, 0.0011%; no homozygotes.

Submission:

Labcorp Genetics (formerly Invitae), Labcorp
Classification: Likely pathogenic. Last evaluated: 2025-03-25. Review status: criteria provided, single submitter. Criteria: Invitae Variant Classification Sherloc (09022015). Collection method: clinical testing. Allele origin: germline.
Comment: This sequence change affects a donor splice site in intron 11 of the CLCN7 gene. It is expected to disrupt RNA splicing. Variants that disrupt the donor or acceptor splice site typically lead to a loss of protein function (PMID: 16199547), and loss-of-function variants in CLCN7 are known to be pathogenic (PMID: 14584882, 19953639). This variant is present in population databases (rs111940275, gnomAD 0.01%). This variant has not been reported in the literature in individuals affected with CLCN7-related conditions. Algorithms developed to predict the effect of sequence changes on RNA splicing suggest that this variant may disrupt the consensus splice site. In summary, the currently available evidence indicates that the variant is pathogenic, but additional data are needed to prove that conclusively. Therefore, this variant has been classified as Likely Pathogenic.

Literature cited by the submitters: PubMed 16199547; PubMed 14584882; PubMed 19953639.